The following is an entry in ClinVar:

ClinVar aggregate classification (germline): Pathogenic/Likely pathogenic. Review status: criteria provided, multiple submitters, no conflicts (2 of 4 stars). 16 submissions from 15 submitters: Pathogenic (12); Likely pathogenic (2). 2 of the submissions do not count toward it. Last evaluated 2026-07-22.

Conditions:
Early-infantile DEE. Also called: Early infantile epileptic encephalopathy; Ohtahara syndrome; Early infantile epileptic encephalopathy with suppression bursts. Identifiers: Orphanet 1934, MedGen C0393706, MONDO:0800491.
SPTAN1-related disorder. Also called: SPTAN1-related disorders; SPTAN1-related condition.
Inborn genetic diseases. Identifiers: MedGen C0950123, MeSH D030342.
Developmental and epileptic encephalopathy, 5 (DEE5). Identifiers: Orphanet 3451, MedGen C3150731, MONDO:0013277, OMIM 613477.
Undetermined early-onset epileptic encephalopathy. Identifiers: Orphanet 442835, MedGen C5680057, MONDO:0018614.

Submissions 1 to 13 of 16:

PreventionGenetics, part of Exact Sciences
Classification: Pathogenic for SPTAN1-related condition. Last evaluated: 2026-07-22. Review status: criteria provided, single submitter. Criteria: ACMG Guidelines, 2015. Collection method: clinical testing. Allele origin: germline.
Comment: The SPTAN1 c.6908_6916dup9 variant is predicted to result in an in-frame duplication (p.Asp2303_Leu2305dup). This variant has been reported as a recurrent de novo change in multiple unrelated individuals affected with West syndrome with progressive brain atrophy, and functional studies suggested that this variant causes aggregation of spectrin complexes in neurons via dominant-negative effects (Nonoda et al. 2013. PubMed ID: 22656320; Tohyama et al. 2015. PubMed ID: 25631096; Syrbe et al. 2017. PubMed ID: 29050398; Wang et al. 2018. PubMed ID: 29337302). This variant has not been reported in a large population database (gnomAD), indicating this variant is rare. This variant is interpreted as pathogenic.

Variantyx, Inc.
Classification: Pathogenic for Developmental and epileptic encephalopathy, 5. Last evaluated: 2025-10-22. Review status: criteria provided, single submitter. Criteria: Variantyx Assertion Criteria 2022. Collection method: clinical testing. Allele origin: germline. Inheritance: Autosomal recessive inheritance. Affected: yes.
Comment: This is an inframe duplication variant in the SPTAN1 gene (OMIM: 182810). Pathogenic variants in this gene have been associated with autosomal dominant developmental and epileptic encephalopathy 5. This variant causes an in-frame duplication of 3 amino acids at position 2303 of the SPTAN1 protein (PM4). This variant has been reported in at least 3 unrelated affected individuals (PMID: 29050398) (PS4_Moderate) and is absent from control populations (PM2). Based on the current evidence, this variant is classified as pathogenic for autosomal dominant developmental and epileptic encephalopathy 5.

Dubai Health Genomic Medicine Center, Dubai Health
Classification: Pathogenic. Last evaluated: 2022-12-17. Review status: criteria provided, single submitter. Criteria: ACMG Guidelines, 2015. Collection method: clinical testing. Allele origin: germline. Affected: yes.

Labcorp Genetics (formerly Invitae), Labcorp
Classification: Pathogenic for Early-infantile DEE. Last evaluated: 2022-10-13. Review status: criteria provided, single submitter. Criteria: Invitae Variant Classification Sherloc (09022015). Collection method: clinical testing. Allele origin: germline.
Comment: Experimental studies have shown that this variant affects SPTAN1 function (PMID: 29050398). Algorithms developed to predict the effect of variants on protein structure and function are not available or were not evaluated for this variant. ClinVar contains an entry for this variant (Variation ID: 160028). This variant has been observed in individual(s) with West syndrome (PMID: 22656320, 29050398). In at least one individual the variant was observed to be de novo. This variant is not present in population databases (gnomAD no frequency). This variant, c.6908_6916dup, results in the insertion of 3 amino acid(s) of the SPTAN1 protein (p.Asp2303_Leu2305dup), but otherwise preserves the integrity of the reading frame. For these reasons, this variant has been classified as Pathogenic.

GeneDx
Classification: Pathogenic. Last evaluated: 2022-09-27. Review status: criteria provided, single submitter. Criteria: GeneDx Variant Classification Process June 2021. Collection method: clinical testing. Allele origin: germline. Affected: yes.
Comment: Published functional studies suggest this variant has a dominant negative effect on neurons, however additional studies are needed to validate the functional effect of this variant (Wang et al., 2018); In-frame duplication of three amino acids in a non-repeat region; Not observed in large population cohorts (gnomAD); This variant is associated with the following publications: (PMID: 34440880, 22656320, 29337302, 29050398, 25631096)

Revvity Omics, Revvity
Classification: Pathogenic. Last evaluated: 2022-06-28. Review status: criteria provided, single submitter. Criteria: ACMG Guidelines, 2015. Collection method: clinical testing. Allele origin: germline.

Mendelics
Classification: Pathogenic for Developmental and epileptic encephalopathy, 5. Last evaluated: 2022-05-04. Review status: criteria provided, single submitter. Criteria: Mendelics Assertion Criteria 2019. Collection method: clinical testing. Allele origin: germline.

Blueprint Genetics
Classification: Pathogenic for SPTAN1-related disorders. Last evaluated: 2021-07-14. Review status: criteria provided, single submitter. Criteria: ACMG Guidelines, 2015. Collection method: clinical testing. Allele origin: germline. Affected: yes. Observed: 1 variant allele.

Pediatrics, MediClubGeorgia
Classification: Pathogenic for Developmental and epileptic encephalopathy, 5. Last evaluated: 2021-05-06. Review status: criteria provided, single submitter. Criteria: ACMG Guidelines, 2015. Collection method: clinical testing. Allele origin: unknown. Inheritance: Autosomal dominant inheritance. Affected: yes. Observed: 1 variant allele, 1 heterozygote.
Comment: This variant is absent in population databases. There is two submission on Clinvar with pathogenic interpretation. This variant has been observed in individual(s) with clinical features of SCN2A-related conditions.

Eurofins Ntd Llc (ga)
Classification: Pathogenic. Last evaluated: 2018-08-30. Review status: criteria provided, single submitter. Criteria: EGL ClinVar v180209 classification definitions. Collection method: clinical testing. Allele origin: germline. Observed: 1 variant allele, 1 heterozygote.

Institute of Human Genetics, University of Leipzig Medical Center
Classification: Likely pathogenic for Developmental and epileptic encephalopathy, 5. Last evaluated: 2017-09-01. Review status: criteria provided, single submitter. Criteria: ACMG Guidelines, 2015. Collection method: research. Allele origin: de novo.

Ambry Genetics
Classification: Pathogenic for Inborn genetic diseases. Last evaluated: 2017-05-30. Review status: criteria provided, single submitter. Criteria: Ambry Variant Classification Scheme 2023. Collection method: clinical testing. Allele origin: germline.
Comment: The c.6908_6916dupACCAGCTGG pathogenic mutation (also known as p.D2303_L2305dup), located in coding exon 52 of the SPTAN1 gene, results from an in-frame duplication of ACCAGCTGG at nucleotide positions 6908 to 6916. This results in the duplication of 3 extra residues (DQL) between codons 2303 and 2305. This variant has been determined to be the result of a de novo mutation or germline mosaicism in one family with an isolated case of developmental delay, intellectual disability, and microcephaly. The mutation occurs in the last two spectrin repeats of the SPTAN1 protein, where several in-frame duplications and deletions have been detected in patients with West syndrome (Tohyama J et al. J. Hum. Genet., 2015 Apr;60:167-73). In addition, this alteration is predicted to be deleterious by PROVEAN in silico analysis (Choi Y et al., PLoS ONE 2012; 7(10):e46688). Based on the supporting evidence, this alteration is interpreted as a disease-causing mutation.

Genetic Services Laboratory, University of Chicago
Classification: Pathogenic for Epileptic encephalopathy, early infantile, 5. Last evaluated: 2013-02-08. Review status: criteria provided, single submitter. Criteria: ACMG Guidelines, 2007. Collection method: clinical testing. Allele origin: germline. Affected: yes.

NM_001130438.3(SPTAN1):c.6899ACCAGCTGG[3] (p.2300DQL[3])

Gene: SPTAN1 (spectrin alpha, non-erythrocytic 1; plus strand). Cytogenetic location: 9q34.11.
Variant type: Microsatellite.
Coding change: c.6899ACCAGCTGG[3] on transcript NM_001130438.3 (MANE Select); three copies in a row of the 9-base unit ACCAGCTGG starting at c.6899; the reference has two copies in a row; one copy, 9 bases duplicated; also written c.6908_6916dup.
Protein change: p.2300DQL[3].
Molecular consequence: inframe insertion.
Genome position (GRCh38, 1-based): chr9:128,632,272-128,632,280, ACCAGCTGG duplicated; duplicating any 9 consecutive bases within chr9:128,632,261-128,632,280 gives the same sequence; the position shown is the placement nearest the transcript's 3' end. VCF-style (leftmost placement, unchanged base first): chr9-128632260-G-GGGACCAGCT. GRCh37 (hg19) VCF-style: chr9-131394539-G-GGGACCAGCT.
Other names: c.6908_6916dupACCAGCTGG (NM_001130438.2); c.6881_6882insGGACCAGCT (NM_003127.4); c.6908_6916dup (NM_001130438.3); c.6824ACCAGCTGG[3], p.2275DQL[3] (NM_001195532.2); c.6962ACCAGCTGG[3], p.2321DQL[3] (NM_001363759.2); c.6839ACCAGCTGG[3], p.2280DQL[3] (NM_001363765.2, NM_001375314.2); c.6986ACCAGCTGG[3], p.2329DQL[3] (NM_001375310.1); c.6899ACCAGCTGG[3], p.2300DQL[3] (NM_001375311.2); and 5 more.
Identifiers: ClinVar variation 160028 (VCV000160028.40), dbSNP rs587784440, ClinGen allele CA173597.
Genomic context (GRCh38, chr9:128,632,260, plus strand): 5'-AGGCCCTCATCCTGGACAACAAGTACACGGAGCACAGCACCGTGGGCCTCGCCCAGCAGT[G>GGGACCAGCT]GGACCAGCTGGACCAGCTGGGCATGCGCATGCAGCACAACCTGGAGCAGCAGATCCAGGC-3'